The following is an entry in ClinVar:

ClinVar aggregate classification (germline): Uncertain significance (1 of 4 stars; one submission).

Conditions:
Hereditary cancer-predisposing syndrome. Also called: Hereditary Cancer Syndrome; Hereditary neoplastic syndrome; Neoplastic Syndromes, Hereditary; Tumor predisposition. Identifiers: Orphanet 140162, MedGen C0027672, MeSH D009386, MONDO:0015356.

Submission:

Ambry Genetics
Classification: Uncertain significance for Hereditary cancer-predisposing syndrome. Last evaluated: 2022-10-03. Review status: criteria provided, single submitter. Criteria: Ambry Variant Classification Scheme 2023. Collection method: clinical testing. Allele origin: germline.
Comment: The p.D204E variant (also known as c.612C>G), located in coding exon 8 of the BAP1 gene, results from a C to G substitution at nucleotide position 612. The aspartic acid at codon 204 is replaced by glutamic acid, an amino acid with highly similar properties. This amino acid position is conserved. In addition, this alteration is predicted to be tolerated by in silico analysis. Since supporting evidence is limited at this time, the clinical significance of this alteration remains unclear.

NM_004656.4(BAP1):c.612C>G (p.Asp204Glu)

Gene: BAP1 (BRCA1 associated deubiquitinase 1; minus strand). Cytogenetic location: 3p21.1.
Variant type: single nucleotide variant.
Coding change: c.612C>G on transcript NM_004656.4 (MANE Select); coding-DNA position 612, C replaced by G.
Protein change: p.Asp204Glu; replaces aspartic acid 204 with glutamic acid.
Molecular consequence: missense variant.
Genome position (GRCh38, 1-based): chr3:52,406,876, G>C on the plus strand (C>G on the coding strand, the complement: BAP1 is on the minus strand). VCF-style: chr3-52406876-G-C. GRCh37 (hg19) VCF-style: chr3-52440892-G-C.
Other names: c.612C>G, p.Asp204Glu (NM_001410772.1); short protein forms D204E.
Identifiers: ClinVar variation 1751767 (VCV001751767.2), dbSNP rs2153227644, ClinGen allele CA353109031.